The following is an entry in ClinVar:

ClinVar aggregate classification (germline): Uncertain significance. Review status: criteria provided, multiple submitters, no conflicts (2 of 4 stars). 2 submissions from 2 submitters: Uncertain significance (2). Last evaluated 2025-11-25.

Conditions:
LTBP3-related disorder. Also called: LTBP3-related condition.
Brachyolmia-amelogenesis imperfecta syndrome. Also called: Dental anomalies and short stature; Tooth agenesis, selective, 6; PLATYSPONDYLY WITH AMELOGENESIS IMPERFECTA. Identifiers: Orphanet 2899, MedGen C1832594, MONDO:0011018, OMIM 601216. Disease mechanism: loss of function.

gnomAD v4.1: 3 of 1,611,920 alleles (0.00019%); highest among the groups gnomAD compares: Non-Finnish European, 0.00025%; no homozygotes.

Submissions (2):

PreventionGenetics, part of Exact Sciences
Classification: Uncertain significance for LTBP3-related condition. Last evaluated: 2025-11-25. Review status: criteria provided, single submitter. Criteria: ACMG Guidelines, 2015. Collection method: clinical testing. Allele origin: germline.
Comment: The LTBP3 c.398C>T variant is predicted to result in the amino acid substitution p.Pro133Leu. To our knowledge, this variant has not been reported in the literature or in a large population database (gnomAD), indicating this variant is rare. At this time, the clinical significance of this variant is uncertain due to the absence of conclusive functional and genetic evidence.

Labcorp Genetics (formerly Invitae), Labcorp
Classification: Uncertain significance for Brachyolmia-amelogenesis imperfecta syndrome. Last evaluated: 2024-10-22. Review status: criteria provided, single submitter. Criteria: Invitae Variant Classification Sherloc (09022015). Collection method: clinical testing. Allele origin: germline.
Comment: This sequence change replaces proline, which is neutral and non-polar, with leucine, which is neutral and non-polar, at codon 133 of the LTBP3 protein (p.Pro133Leu). This variant is not present in population databases (gnomAD no frequency). This variant has not been reported in the literature in individuals affected with LTBP3-related conditions. ClinVar contains an entry for this variant (Variation ID: 1972261). An algorithm developed to predict the effect of missense changes on protein structure and function (PolyPhen-2) suggests that this variant is likely to be disruptive. In summary, the available evidence is currently insufficient to determine the role of this variant in disease. Therefore, it has been classified as a Variant of Uncertain Significance.

NM_001130144.3(LTBP3):c.398C>T (p.Pro133Leu)

Gene: LTBP3 (latent transforming growth factor beta binding protein 3; minus strand). Cytogenetic location: 11q13.1.
Variant type: single nucleotide variant.
Coding change: c.398C>T on transcript NM_001130144.3 (MANE Select); coding-DNA position 398, C replaced by T.
Protein change: p.Pro133Leu; replaces proline 133 with leucine.
Molecular consequence: missense variant.
Genome position (GRCh38, 1-based): chr11:65,554,314, G>A on the plus strand (C>T on the coding strand, the complement: LTBP3 is on the minus strand). VCF-style: chr11-65554314-G-A. GRCh37 (hg19) VCF-style: chr11-65321785-G-A.
Other names: c.47C>T, p.Pro16Leu (NM_001164266.1); c.398C>T, p.Pro133Leu (NM_021070.4); c.398C>T (NM_001130144.2); short protein forms P133L, P16L.
Identifiers: ClinVar variation 1972261 (VCV001972261.6), dbSNP rs1565101783, ClinGen allele CA381276696.
Genomic context (GRCh38, chr11:65,554,314, plus strand): 5'-CCGCCGGTACCCCCACCGGCTCCTCCTGCGGGCACCTGGCAGAAGCGCCCAGTGAAGTCC[G>A]GGGGACACAGGCACTGGTTTCGCGAGGAGCACTGGCCGCCATTCATGCAGGGGAGAGGGC-3'
Protein context (NP_001123616.1, residues 123-143): CSSRNQCLCP[Pro133Leu]DFTGRFCQVP